The following is an entry in ClinVar:

ClinVar aggregate classification (germline): Pathogenic. Review status: reviewed by expert panel (3 of 4 stars). 2 submissions from 2 submitters: Pathogenic (1). 1 of the submissions does not count toward it. Last evaluated 2024-04-22.

Conditions:
RPE65-related recessive retinopathy. Also called: Recessive RPE65 retinopathy. Identifiers: MedGen CN305526, MONDO:0100368.
Retinitis pigmentosa 20 (RP20). Identifiers: Orphanet 791, MedGen C3151086, MONDO:0013425, OMIM 613794.
Leber congenital amaurosis 2 (LCA2). Also called: Autosomal Recessive RPE65-Related Retinal Degeneration; AMAUROSIS CONGENITA OF LEBER II. Identifiers: Orphanet 65, MedGen C1859844, MONDO:0008765, OMIM 204100. Disease mechanism: loss of function.

Submissions (2):

ClinGen Leber Congenital Amaurosis/early Onset Retinal Dystrophy Variant Curation Expert Panel, ClinGen
Classification: Pathogenic for RPE65-related recessive retinopathy. Last evaluated: 2024-04-22. Review status: reviewed by expert panel. Criteria: ClinGen LCAeoRD ACMG Specifications RPE65 V1.0.0. Collection method: curation. Allele origin: germline. Inheritance: Autosomal recessive inheritance.
Comment: NM_000329.3(RPE65):c.1501_1505del (p.Tyr501ProfsTer10) is a frameshift variant in RPE65 that creates a premature translational stop codon in exon 14 of 14 and is predicted not to trigger nonsense-mediated decay but rather to C-terminally truncate the protein product before position 528, disrupting functionally critical residues required for the active site (PVS1). This variant is absent from gnomAD v2.1.1 (PM2_Supporting). At least one proband harboring this variant exhibits a phenotype including diagnosis of retinal dystrophy with onset before age 2 years (1 pt), genotyping by targeted exome sequencing of 126 retinal genes without identifying an alternative cause of disease (2 pts), visual impairment (1 pt), night blindness (0.5 pts), tapetoretinal degeneration of the fundus with attenuated retinal vessels (0.5 pts), and extinguished ERG responses from rods (0.5 pts) and cones (1 pt), which together are specific for RPE65-related recessive retinopathy (6.5 points, PMID: 31273949, PP4). In summary, this variant meets the criteria to be classified as pathogenic for RPE65-related recessive retinopathy based on the ACMG/AMP criteria applied, as specified by the ClinGen LCA / eoRD VCEP: PSV1, PM2_Supporting, and PP4. (VCEP specifications version 1.0.0; date of approval 09/21/2023).

Labcorp Genetics (formerly Invitae), Labcorp
Classification: Pathogenic for Leber congenital amaurosis 2; Retinitis pigmentosa 20. Last evaluated: 2025-01-27. Review status: criteria provided, single submitter. Criteria: Invitae Variant Classification Sherloc (09022015). Collection method: clinical testing. Allele origin: germline. Not counted in ClinVar's aggregate classification.
Comment: This sequence change creates a premature translational stop signal (p.Tyr501Profs*10) in the RPE65 gene. While this is not anticipated to result in nonsense mediated decay, it is expected to disrupt the last 33 amino acid(s) of the RPE65 protein. This variant is not present in population databases (gnomAD no frequency). This premature translational stop signal has been observed in individuals with Leber congenital amaurosis (PMID: 17964524; internal data). This variant is also known as Ala500 del5. ClinVar contains an entry for this variant (Variation ID: 1384701). This variant disrupts the p.Arg515 amino acid residue in RPE65. Other variant(s) that disrupt this residue have been determined to be pathogenic (PMID: 15557452, 25495949, 25752820, 31273949). This suggests that this residue is clinically significant, and that variants that disrupt this residue are likely to be disease-causing. For these reasons, this variant has been classified as Pathogenic.

Literature cited by the submitters: PubMed 17964524 (cited by Labcorp Genetics (formerly Invitae), Labcorp); PubMed 15557452 (cited by Labcorp Genetics (formerly Invitae), Labcorp); PubMed 25495949 (cited by Labcorp Genetics (formerly Invitae), Labcorp); PubMed 25752820 (cited by Labcorp Genetics (formerly Invitae), Labcorp); PubMed 31273949 (cited by Labcorp Genetics (formerly Invitae), Labcorp).

NM_000329.3(RPE65):c.1501_1505del (p.Tyr501fs)

Gene: RPE65 (retinoid isomerohydrolase RPE65; minus strand). Cytogenetic location: 1p31.3.
Variant type: Deletion.
Coding change: c.1501_1505del on transcript NM_000329.3 (MANE Select); coding-DNA positions 1501 to 1505, 5 bases deleted (TATCT; older notation c.1501_1505delTATCT).
Protein change: p.Tyr501fs; shifts the reading frame from tyrosine 501.
Molecular consequence: frameshift variant.
Genome position (GRCh38, 1-based): chr1:68,429,873-68,429,877, AGATA deleted on the plus strand (TATCT on the coding strand, the reverse complement: RPE65 is on the minus strand); deleting any 5 consecutive bases within chr1:68,429,873-68,429,879 gives the same sequence; the c. name uses the placement nearest the transcript's 3' end. VCF-style (leftmost placement, unchanged base first): chr1-68429872-GAGATA-G. GRCh37 (hg19) VCF-style: chr1-68895555-GAGATA-G.
Other names: NM_000329.3(RPE65):c.1501_1505del; p.Tyr501fs; short protein forms Y501fs.
Identifiers: ClinVar variation 1384701 (VCV001384701.9), dbSNP rs2100805193, ClinGen allele CA2573132570.